The following is an entry in ClinVar:

NM_001130144.3(LTBP3):c.1925A>G (p.His642Arg)

Genes: LTBP3 (latent transforming growth factor beta binding protein 3; minus strand), LOC130006032 (ATAC-STARR-seq lymphoblastoid silent region 3535; plus strand). Cytogenetic location: 11q13.1.
Variant type: single nucleotide variant.
Coding change: c.1925A>G on transcript NM_001130144.3 (MANE Select); coding-DNA position 1925, A replaced by G.
Protein change: p.His642Arg; replaces histidine 642 with arginine.
Molecular consequence: missense variant.
Genome position (GRCh38, 1-based): chr11:65,547,743, T>C on the plus strand (A>G on the coding strand, the complement: LTBP3 is on the minus strand). VCF-style: chr11-65547743-T-C. GRCh37 (hg19) VCF-style: chr11-65315214-T-C.
Other names: c.1574A>G, p.His525Arg (NM_001164266.1); c.1925A>G, p.His642Arg (NM_021070.4); c.1925A>G (NM_001130144.2); short protein forms H525R, H642R.
Identifiers: ClinVar variation 1421643 (VCV001421643.7), dbSNP rs968371027, ClinGen allele CA223964665.

ClinVar aggregate classification (germline): Uncertain significance. Review status: criteria provided, multiple submitters, no conflicts (2 of 4 stars). 2 submissions from 2 submitters: Uncertain significance (2). Last evaluated 2026-01-21.

Conditions:
Brachyolmia-amelogenesis imperfecta syndrome. Also called: Tooth agenesis, selective, 6; Dental anomalies and short stature; PLATYSPONDYLY WITH AMELOGENESIS IMPERFECTA. Identifiers: Orphanet 2899, MedGen C1832594, MONDO:0011018, OMIM 601216. Disease mechanism: loss of function.
Inborn genetic diseases. Identifiers: MedGen C0950123, MeSH D030342.

Allele frequency attached by ClinVar (database versions not stated): gnomAD exomes below 0.00001; TOPMed below 0.00001; gnomAD 0.00001.

Submissions (2):

Ambry Genetics
Classification: Uncertain significance for Inborn genetic diseases. Last evaluated: 2026-01-21. Review status: criteria provided, single submitter. Criteria: Ambry Variant Classification Scheme 2023. Collection method: clinical testing. Allele origin: germline.
Comment: The p.H642R variant (also known as c.1925A>G), located in coding exon 13 of the LTBP3 gene, results from an A to G substitution at nucleotide position 1925. The histidine at codon 642 is replaced by arginine, an amino acid with highly similar properties. This amino acid position is conserved. In addition, this alteration is predicted to be tolerated by in silico analysis. Based on the available evidence, the clinical significance of this variant remains unclear.

Labcorp Genetics (formerly Invitae), Labcorp
Classification: Uncertain significance for Brachyolmia-amelogenesis imperfecta syndrome. Last evaluated: 2022-11-24. Review status: criteria provided, single submitter. Criteria: Invitae Variant Classification Sherloc (09022015). Collection method: clinical testing. Allele origin: germline.
Comment: In summary, the available evidence is currently insufficient to determine the role of this variant in disease. Therefore, it has been classified as a Variant of Uncertain Significance. Algorithms developed to predict the effect of missense changes on protein structure and function (SIFT, PolyPhen-2, Align-GVGD) all suggest that this variant is likely to be tolerated. ClinVar contains an entry for this variant (Variation ID: 1421643). This variant has not been reported in the literature in individuals affected with LTBP3-related conditions. This variant is present in population databases (no rsID available, gnomAD 0.002%). This sequence change replaces histidine, which is basic and polar, with arginine, which is basic and polar, at codon 642 of the LTBP3 protein (p.His642Arg).